The following is an entry in ClinVar:

NM_144670.6(A2ML1):c.233G>T (p.Cys78Phe)

Genes: A2ML1 (alpha-2-macroglobulin like 1; plus strand), A2ML1-AS1 (A2ML1 antisense RNA 1; minus strand). Cytogenetic location: 12p13.31.
Variant type: single nucleotide variant.
Coding change: c.233G>T on transcript NM_144670.6 (MANE Select); coding-DNA position 233, G replaced by T.
Protein change: p.Cys78Phe; replaces cysteine 78 with phenylalanine.
Molecular consequence: missense variant.
Genome position (GRCh38, 1-based): chr12:8,823,352, G>T. VCF-style: chr12-8823352-G-T. GRCh37 (hg19) VCF-style: chr12-8975948-G-T.
Other names: short protein forms C78F.
Identifiers: ClinVar variation 3229192 (VCV003229192.3), dbSNP rs1421989371, ClinGen allele CA383818524.

ClinVar aggregate classification (germline): Uncertain significance. Review status: criteria provided, multiple submitters, no conflicts (2 of 4 stars). 2 submissions from 2 submitters: Uncertain significance (2). Last evaluated 2025-09-07.

Allele frequency attached by ClinVar (database versions not stated): gnomAD 0.00005; gnomAD exomes below 0.00001.
gnomAD v4.1: 10 of 1,613,544 alleles (0.00062%); highest among the groups gnomAD compares: African/African-American, 0.011%; no homozygotes.

Submissions (2):

Labcorp Genetics (formerly Invitae), Labcorp
Classification: Uncertain significance. Last evaluated: 2025-09-07. Review status: criteria provided, single submitter. Criteria: Invitae Variant Classification Sherloc (09022015). Collection method: clinical testing. Allele origin: germline.
Comment: This sequence change replaces cysteine, which is neutral and slightly polar, with phenylalanine, which is neutral and non-polar, at codon 78 of the A2ML1 protein (p.Cys78Phe). This variant is present in population databases (no rsID available, gnomAD 0.02%). This variant has not been reported in the literature in individuals affected with A2ML1-related conditions. ClinVar contains an entry for this variant (Variation ID: 3229192). An algorithm developed to predict the effect of missense changes on protein structure and function (PolyPhen-2) suggests that this variant is likely to be disruptive. In summary, the available evidence is currently insufficient to determine the role of this variant in disease. Therefore, it has been classified as a Variant of Uncertain Significance.

Ambry Genetics
Classification: Uncertain significance. Last evaluated: 2024-02-03. Review status: criteria provided, single submitter. Criteria: Ambry Variant Classification Scheme 2023. Collection method: clinical testing. Allele origin: germline.
Comment: The p.C78F variant (also known as c.233G>T), located in coding exon 2 of the A2ML1 gene, results from a G to T substitution at nucleotide position 233. The cysteine at codon 78 is replaced by phenylalanine, an amino acid with highly dissimilar properties. This amino acid position is conserved. In addition, the in silico prediction for this alteration is inconclusive. Based on the available evidence, the clinical significance of this alteration remains unclear.